The following is an entry in ClinVar:

NM_000875.5(IGF1R):c.320G>A (p.Arg107His)

Gene: IGF1R (insulin like growth factor 1 receptor; plus strand). Cytogenetic location: 15q26.3.
Variant type: single nucleotide variant.
Coding change: c.320G>A on transcript NM_000875.5 (MANE Select); coding-DNA position 320, G replaced by A.
Protein change: p.Arg107His; replaces arginine 107 with histidine.
Molecular consequence: missense variant.
Genome position (GRCh38, 1-based): chr15:98,707,787, G>A. VCF-style: chr15-98707787-G-A. GRCh37 (hg19) VCF-style: chr15-99251016-G-A.
Other names: c.320G>A, p.Arg107His (NM_001291858.2); short protein forms R107H.
Identifiers: ClinVar variation 2880112 (VCV002880112.4), dbSNP rs763743119, ClinGen allele CA7751778.

ClinVar aggregate classification (germline): Uncertain significance. Review status: criteria provided, multiple submitters, no conflicts (2 of 4 stars). 2 submissions from 2 submitters: Uncertain significance (2). Last evaluated 2023-05-24.

Allele frequency attached by ClinVar (database versions not stated): gnomAD exomes below 0.00001; ExAC 0.00001.
gnomAD v4.1: 1 of 1,614,154 alleles (0.000062%); highest among the groups gnomAD compares: Non-Finnish European, 0.000085%; no homozygotes.

Submissions (2):

Blueprint Genetics
Classification: Uncertain significance. Last evaluated: 2023-05-24. Review status: criteria provided, single submitter. Criteria: ACMG Guidelines, 2015. Collection method: clinical testing. Allele origin: germline.

Labcorp Genetics (formerly Invitae), Labcorp
Classification: Uncertain significance. Last evaluated: 2022-11-23. Review status: criteria provided, single submitter. Criteria: Invitae Variant Classification Sherloc (09022015). Collection method: clinical testing. Allele origin: germline.
Comment: This sequence change replaces arginine, which is basic and polar, with histidine, which is basic and polar, at codon 107 of the IGF1R protein (p.Arg107His). In summary, the available evidence is currently insufficient to determine the role of this variant in disease. Therefore, it has been classified as a Variant of Uncertain Significance. Advanced modeling of protein sequence and biophysical properties (such as structural, functional, and spatial information, amino acid conservation, physicochemical variation, residue mobility, and thermodynamic stability) performed at Invitae indicates that this missense variant is not expected to disrupt IGF1R protein function. This variant has not been reported in the literature in individuals affected with IGF1R-related conditions. This variant is present in population databases (rs763743119, gnomAD 0.0009%).